The following is an entry in ClinVar:

NM_000206.3(IL2RG):c.739G>A (p.Gly247Arg)

Gene: IL2RG (interleukin 2 receptor subunit gamma; minus strand). Cytogenetic location: Xq13.1.
Variant type: single nucleotide variant.
Coding change: c.739G>A on transcript NM_000206.3 (MANE Select); coding-DNA position 739, G replaced by A.
Protein change: p.Gly247Arg; replaces glycine 247 with arginine.
Molecular consequence: missense variant.
Genome position (GRCh38, 1-based): chrX:71,109,246, C>T on the plus strand (G>A on the coding strand, the complement: IL2RG is on the minus strand). VCF-style: chrX-71109246-C-T. GRCh37 (hg19) VCF-style: chrX-70329096-C-T.
Other names: NM_000206.3(IL2RG):c.739G>A; p.Gly247Arg; short protein forms G247R.
Identifiers: ClinVar variation 1507904 (VCV001507904.7), dbSNP rs745952883, ClinGen allele CA10443824.

ClinVar aggregate classification (germline): Uncertain significance. Review status: reviewed by expert panel (3 of 4 stars). 3 submissions from 3 submitters: Uncertain significance (1). 2 of the submissions do not count toward it. Last evaluated 2024-06-13.

Conditions:
IL2RG-related disorder. Also called: IL2RG-related condition.
X-linked severe combined immunodeficiency (SCIDX1). Also called: X-Linked Combined Immunodeficiency Diseases; IMMUNODEFICIENCY 4; SCID, X-LINKED; SEVERE COMBINED IMMUNODEFICIENCY, X-LINKED, T CELL-NEGATIVE, B CELL-POSITIVE, NK CELL-NEGATIVE; T-B+ severe combined immunodeficiency due to gamma chain deficiency. Identifiers: Orphanet 276, MedGen C6022468, MONDO:0010315, OMIM 300400. Disease mechanism: loss of function.

Allele frequency attached by ClinVar (database versions not stated): gnomAD exomes below 0.00001 and 0.00001; ExAC 0.00001.
gnomAD v4.1: 4 of 1,211,300 alleles (0.00033%); highest among the groups gnomAD compares: South Asian, 0.0018%; no homozygotes.

Submissions (3):

ClinGen Severe Combined Immunodeficiency Variant Curation Expert Panel, ClinGen
Classification: Uncertain significance for X-linked severe combined immunodeficiency. Last evaluated: 2024-06-13. Review status: reviewed by expert panel. Criteria: ClinGen SCID ACMG Specifications IL2RG V1.0.0. Collection method: curation. Allele origin: germline. Inheritance: X-linked inheritance.
Comment: The c.739G>A (NM_000206.3) variant in IL2RG is a missense variant predicted to cause substitution of Glycine by Arginine at amino acid 247 (p.Gly247Arg). The filtering allele frequency (the upper threshold of the 95% CI of 3/841874 alleles) of the c.739G>A variant in IL2RG is 0.00000095 for European (non-Finnish) chromosomes by gnomAD v4, which is lower than the ClinGen SCID VCEP threshold (<0.000124) for PM2_Supporting. However, there is 01 hemizygote reported in gnomAD in the South Asian population; Therefore, PM2_Supporting is not met. To our knowledge, this variant has not been reported in the literature in individuals affected with SCID/IL2RG-related conditions or in functional studies. In summary, this variant meets the criteria to be classified as a variant of uncertain significance for X-linked T-B+ severe combined immunodeficiency due to gamma chain deficiency based on the ACMG/AMP criteria applied, as specified by the ClinGen SCID VCEP (specification version 1.0): No criteria were applied.

3billion
Classification: Uncertain significance for IL2RG-related disorder. Last evaluated: 2025-12-18. Review status: criteria provided, single submitter. Criteria: ACMG Guidelines, 2015. Collection method: clinical testing. Allele origin: germline. Affected: yes. Not counted in ClinVar's aggregate classification.
Comment: The variant is observed at an extremely low frequency in the gnomAD v4.1.0 dataset (total allele frequency: <0.001%). Predicted Consequence/Location: Missense variant In silico tool predictions suggest damaging effect of the variant on gene or gene product [REVEL: 0.78 (>=0.6, sensitivity 0.68 and specificity 0.92); 3Cnet: 0.97 (> 0.75, sensitivity 0.96 and precision 0.92)]. The variant has been reported as of uncertain significance (ClinVar ID: VCV001507904). Different missense changes at the same codon have been reported as of uncertain significance (ClinVar ID: VCV003681354). Therefore, this variant is classified as VUS according to the recommendation of ACMG/AMP guideline.

Labcorp Genetics (formerly Invitae), Labcorp
Classification: Uncertain significance for X-linked severe combined immunodeficiency. Last evaluated: 2024-10-24. Review status: criteria provided, single submitter. Criteria: Invitae Variant Classification Sherloc (09022015). Collection method: clinical testing. Allele origin: germline. Not counted in ClinVar's aggregate classification.
Comment: This sequence change replaces glycine, which is neutral and non-polar, with arginine, which is basic and polar, at codon 247 of the IL2RG protein (p.Gly247Arg). This variant is present in population databases (rs745952883, gnomAD 0.005%), including at least one homozygous and/or hemizygous individual. This variant has not been reported in the literature in individuals affected with IL2RG-related conditions. ClinVar contains an entry for this variant (Variation ID: 1507904). Invitae Evidence Modeling of protein sequence and biophysical properties (such as structural, functional, and spatial information, amino acid conservation, physicochemical variation, residue mobility, and thermodynamic stability) indicates that this missense variant is expected to disrupt IL2RG protein function with a positive predictive value of 95%. In summary, the available evidence is currently insufficient to determine the role of this variant in disease. Therefore, it has been classified as a Variant of Uncertain Significance.